The following is an entry in ClinVar:

NM_007118.4(TRIO):c.2459A>G (p.Asp820Gly)

Gene: TRIO (trio Rho guanine nucleotide exchange factor; plus strand). Cytogenetic location: 5p15.2.
Variant type: single nucleotide variant.
Coding change: c.2459A>G on transcript NM_007118.4 (MANE Select); coding-DNA position 2459, A replaced by G.
Protein change: p.Asp820Gly; replaces aspartic acid 820 with glycine.
Molecular consequence: missense variant. On other transcripts: non-coding transcript variant (1).
Genome position (GRCh38, 1-based): chr5:14,363,799, A>G. VCF-style: chr5-14363799-A-G. GRCh37 (hg19) VCF-style: chr5-14363908-A-G.
Other names: short protein forms D820G.
Identifiers: ClinVar variation 4872616 (VCV004872616.2).

ClinVar aggregate classification (germline): Uncertain significance (1 of 4 stars; one submission).

gnomAD v4.1: 1 of 1,614,220 alleles (0.000062%); highest among the groups gnomAD compares: Non-Finnish European, 0.000085%; no homozygotes.

Submission:

CeGaT Center for Human Genetics Tuebingen
Classification: Uncertain significance. Last evaluated: 2026-06-01. Review status: criteria provided, single submitter. Criteria: CeGaT Center For Human Genetics Tuebingen Variant Classification Criteria Version 2. Collection method: clinical testing. Allele origin: germline. Affected: yes. Observed: 1 variant allele.
Comment: TRIO: PM2